The following is an entry in ClinVar:

NM_171998.4(RAB39B):c.188G>A (p.Trp63Ter)

Gene: RAB39B (RAB39B, member RAS oncogene family; minus strand). Cytogenetic location: Xq28.
Variant type: single nucleotide variant.
Coding change: c.188G>A on transcript NM_171998.4 (MANE Select); coding-DNA position 188, G replaced by A.
Protein change: p.Trp63Ter; replaces tryptophan 63 with a stop codon.
Molecular consequence: nonsense.
Genome position (GRCh38, 1-based): chrX:155,264,101, C>T on the plus strand (G>A on the coding strand, the complement: RAB39B is on the minus strand). VCF-style: chrX-155264101-C-T. GRCh37 (hg19) VCF-style: chrX-154493386-C-T.
Other names: short protein forms W63*.
Identifiers: ClinVar variation 2809751 (VCV002809751.3), dbSNP rs2524215565, ClinGen allele CA414925332.
Genomic context (GRCh38, chrX:155,264,101, plus strand): 5'-CCCACTGCTTGCGGGCCCGGACTGCGCTCCCACCTGAACCTCTCTTGACCCGCGGTATCC[C>T]AGATCTGGAGCTTGATGCGTTTTCCTGGCTCGATCTCCACCAAGCGGGAGAAAAAATCCA-3'

ClinVar aggregate classification (germline): Pathogenic (1 of 4 stars; one submission).

Submission:

Labcorp Genetics (formerly Invitae), Labcorp
Classification: Pathogenic. Last evaluated: 2022-10-26. Review status: criteria provided, single submitter. Criteria: Invitae Variant Classification Sherloc (09022015). Collection method: clinical testing. Allele origin: germline.
Comment: For these reasons, this variant has been classified as Pathogenic. This variant disrupts a region of the RAB39B protein in which other variant(s) (p.Gly192Arg) have been determined to be pathogenic (PMID: 26399558). This suggests that this is a clinically significant region of the protein, and that variants that disrupt it are likely to be disease-causing. This variant has not been reported in the literature in individuals affected with RAB39B-related conditions. This variant is not present in population databases (gnomAD no frequency). This sequence change creates a premature translational stop signal (p.Trp63*) in the RAB39B gene. While this is not anticipated to result in nonsense mediated decay, it is expected to disrupt the last 151 amino acid(s) of the RAB39B protein.

Literature cited by the submitters: PubMed 26399558.